The following is an entry in ClinVar:

NM_001970.5(EIF5A):c.226A>G (p.Thr76Ala)

Gene: EIF5A (eukaryotic translation initiation factor 5A; plus strand). Cytogenetic location: 17p13.1.
Variant type: single nucleotide variant.
Coding change: c.226A>G on transcript NM_001970.5 (MANE Select); coding-DNA position 226, A replaced by G.
Protein change: p.Thr76Ala; replaces threonine 76 with alanine.
Molecular consequence: missense variant.
Genome position (GRCh38, 1-based): chr17:7,311,078, A>G. VCF-style: chr17-7311078-A-G. GRCh37 (hg19) VCF-style: chr17-7214397-A-G.
Other names: c.316A>G, p.Thr106Ala (NM_001143760.1); c.226A>G, p.Thr76Ala (NM_001143761.1, NM_001143762.2, NM_001370420.1 and 1 more transcripts); short protein forms T106A, T76A.
Identifiers: ClinVar variation 5035873 (VCV005035873.1).

ClinVar aggregate classification (germline): Uncertain significance (1 of 4 stars; one submission).

gnomAD v4.1: 8 of 1,613,762 alleles (0.0005%); highest among the groups gnomAD compares: Non-Finnish European, 0.00059%; no homozygotes.

Submission:

Ambry Genetics
Classification: Uncertain significance. Last evaluated: 2026-09-01. Review status: criteria provided, single submitter. Criteria: Ambry Variant Classification Scheme 2023. Collection method: clinical testing. Allele origin: germline.
Comment: The c.316A>G (p.T106A) alteration is located in exon 3 (coding exon 3) of the EIF5A gene. This alteration results from a A to G substitution at nucleotide position 316, causing the threonine (T) at amino acid position 106 to be replaced by an alanine (A). Based on data from gnomAD, the G allele has an overall frequency of <0.001% (1/250976) total alleles studied. The highest observed frequency was 0.001% (1/113394) of European (non-Finnish) alleles. Based on insufficient or conflicting evidence, the clinical significance of this alteration remains unclear.